The following is an entry in ClinVar:

ClinVar aggregate classification (germline): Uncertain significance (1 of 4 stars; one submission).

Conditions:
Beckwith-Wiedemann syndrome (BWS). Also called: Exomphalos macroglossia gigantism syndrome; EMG SYNDROME. Identifiers: Orphanet 116, MedGen C0004903, MONDO:0007534, OMIM 130650.

Submission:

Labcorp Genetics (formerly Invitae), Labcorp
Classification: Uncertain significance for Beckwith-Wiedemann syndrome. Last evaluated: 2022-08-20. Review status: criteria provided, single submitter. Criteria: Invitae Variant Classification Sherloc (09022015). Collection method: clinical testing. Allele origin: germline.
Comment: In summary, the available evidence is currently insufficient to determine the role of this variant in disease. Therefore, it has been classified as a Variant of Uncertain Significance. Algorithms developed to predict the effect of missense changes on protein structure and function output the following: SIFT: "Tolerated"; PolyPhen-2: "Benign"; Align-GVGD: "Class C0". The arginine amino acid residue is found in multiple mammalian species, which suggests that this missense change does not adversely affect protein function. This variant has not been reported in the literature in individuals affected with CDKN1C-related conditions. This variant is not present in population databases (gnomAD no frequency). This sequence change replaces glutamine, which is neutral and polar, with arginine, which is basic and polar, at codon 47 of the CDKN1C protein (p.Gln47Arg).

NM_001122630.2(CDKN1C):c.107A>G (p.Gln36Arg)

Gene: CDKN1C (cyclin dependent kinase inhibitor 1C; minus strand). Cytogenetic location: 11p15.4.
Variant type: single nucleotide variant.
Coding change: c.107A>G on transcript NM_001122630.2 (MANE Select); coding-DNA position 107, A replaced by G.
Protein change: p.Gln36Arg; replaces glutamine 36 with arginine.
Molecular consequence: missense variant.
Genome position (GRCh38, 1-based): chr11:2,885,350, T>C on the plus strand (A>G on the coding strand, the complement: CDKN1C is on the minus strand). VCF-style: chr11-2885350-T-C. GRCh37 (hg19) VCF-style: chr11-2906580-T-C.
Other names: c.140A>G, p.Gln47Arg (NM_000076.2, NM_001362474.2); c.107A>G, p.Gln36Arg (NM_001122631.2, NM_001362475.2); short protein forms Q36R, Q47R.
Identifiers: ClinVar variation 1717220 (VCV001717220.5), dbSNP rs2494390317, ClinGen allele CA379147630.